The following is an entry in ClinVar:

ClinVar aggregate classification (germline): Uncertain significance (1 of 4 stars; one submission).

Allele frequency attached by ClinVar (database versions not stated): gnomAD exomes below 0.00001.
gnomAD v4.1: 1 of 1,614,216 alleles (0.000062%); highest among the groups gnomAD compares: Non-Finnish European, 0.000085%; no homozygotes.

Submission:

CeGaT Center for Human Genetics Tuebingen
Classification: Uncertain significance. Last evaluated: 2022-06-01. Review status: criteria provided, single submitter. Criteria: CeGaT Center For Human Genetics Tuebingen Variant Classification Criteria Version 2. Collection method: clinical testing. Allele origin: germline. Affected: yes. Observed: 4 variant alleles.
Comment: FBXL4: PM2, PM3:Supporting, PP4

NM_001278716.2(FBXL4):c.218A>G (p.Tyr73Cys)

Gene: FBXL4 (F-box and leucine rich repeat protein 4; minus strand). Cytogenetic location: 6q16.2.
Variant type: single nucleotide variant.
Coding change: c.218A>G on transcript NM_001278716.2 (MANE Select); coding-DNA position 218, A replaced by G.
Protein change: p.Tyr73Cys; replaces tyrosine 73 with cysteine.
Molecular consequence: missense variant. On other transcripts: non-coding transcript variant (2).
Genome position (GRCh38, 1-based): chr6:98,926,771, T>C on the plus strand (A>G on the coding strand, the complement: FBXL4 is on the minus strand). VCF-style: chr6-98926771-T-C. GRCh37 (hg19) VCF-style: chr6-99374647-T-C.
Other names: c.218A>G, p.Tyr73Cys (NM_012160.5); short protein forms Y73C.
Identifiers: ClinVar variation 444694 (VCV000444694.43), dbSNP rs1217647354, ClinGen allele CA365090585.
Genomic context (GRCh38, chr6:98,926,771, plus strand): 5'-TGAGTAAAGTCACCAGAACTTGGGAATACATTTGGTACACCAGCCAAATTCCACATAGTA[T>C]AGGACATACTATTCTCACTTCCATAATGGGAACTGAAATCCACTACTTCTTTGGCATACT-3'
Protein context (NP_001265645.1, residues 63-83): SHYGSENSMS[Tyr73Cys]TMWNLAGVPN